The following is an entry in ClinVar:

NM_004082.5(DCTN1):c.2926C>A (p.Leu976Met)

Gene: DCTN1 (dynactin subunit 1; minus strand). Cytogenetic location: 2p13.1.
Variant type: single nucleotide variant.
Coding change: c.2926C>A on transcript NM_004082.5 (MANE Select); coding-DNA position 2926, C replaced by A.
Protein change: p.Leu976Met; replaces leucine 976 with methionine.
Molecular consequence: missense variant. On other transcripts: non-coding transcript variant (1).
Genome position (GRCh38, 1-based): chr2:74,365,618, G>T on the plus strand (C>A on the coding strand, the complement: DCTN1 is on the minus strand). VCF-style: chr2-74365618-G-T. GRCh37 (hg19) VCF-style: chr2-74592745-G-T.
Other names: c.2866C>A, p.Leu956Met (NM_001135040.3); c.2524C>A, p.Leu842Met (NM_001135041.3, NM_023019.4); c.2815C>A, p.Leu939Met (NM_001190836.2); c.2905C>A, p.Leu969Met (NM_001190837.2); c.2875C>A, p.Leu959Met (NM_001378991.1); c.2857C>A, p.Leu953Met (NM_001378992.1); short protein forms L842M, L939M, L959M, L969M, L953M, L956M, L976M.
Identifiers: ClinVar variation 1370765 (VCV001370765.6), dbSNP rs2104409827, ClinGen allele CA347341802.

ClinVar aggregate classification (germline): Uncertain significance (1 of 4 stars; one submission).

Conditions:
Amyotrophic lateral sclerosis type 1 (ALS1). Also called: AMYOTROPHIC LATERAL SCLEROSIS 1, FAMILIAL. Identifiers: Orphanet 803, MedGen C1862939, MONDO:0007103, OMIM 105400.
Perry syndrome. Also called: PARKINSONISM WITH ALVEOLAR HYPOVENTILATION AND MENTAL DEPRESSION. Identifiers: Orphanet 178509, MedGen C1868594, MONDO:0008201, OMIM 168605.
Neuronopathy, distal hereditary motor, type 7B. Also called: NEUROPATHY, DISTAL HEREDITARY MOTOR, WITH VOCAL CORD PARALYSIS, HARDING TYPE VIIB; Distal Hereditary Motor Neuronopathy Type 7B (dHMN7B); LOWER MOTOR NEURON DISEASE, DYNACTIN TYPE; HMN VIIB; NEURONOPATHY, DISTAL HEREDITARY MOTOR, AUTOSOMAL DOMINANT 14; NEURONOPATHY, DISTAL HEREDITARY MOTOR, HARDING TYPE VIIB. Identifiers: Orphanet 139589, MedGen C1843315, MONDO:0011879, OMIM 607641.

gnomAD v4.1: 1 of 1,614,148 alleles (0.000062%); highest among the groups gnomAD compares: Non-Finnish European, 0.000085%; no homozygotes.

Submission:

Labcorp Genetics (formerly Invitae), Labcorp
Classification: Uncertain significance for Amyotrophic lateral sclerosis type 1; Neuronopathy, distal hereditary motor, type 7B; Perry syndrome. Last evaluated: 2021-07-28. Review status: criteria provided, single submitter. Criteria: Invitae Variant Classification Sherloc (09022015). Collection method: clinical testing. Allele origin: germline.
Comment: In summary, the available evidence is currently insufficient to determine the role of this variant in disease. Therefore, it has been classified as a Variant of Uncertain Significance. Algorithms developed to predict the effect of missense changes on protein structure and function are either unavailable or do not agree on the potential impact of this missense change (SIFT: "Deleterious"; PolyPhen-2: "Probably Damaging"; Align-GVGD: "Class C0"). This variant has not been reported in the literature in individuals affected with DCTN1-related conditions. This variant is not present in population databases (ExAC no frequency). This sequence change replaces leucine with methionine at codon 976 of the DCTN1 protein (p.Leu976Met). The leucine residue is highly conserved and there is a small physicochemical difference between leucine and methionine.